The following is an entry in ClinVar:

ClinVar aggregate classification (germline): Uncertain significance (1 of 4 stars; one submission).

Submission:

GeneDx
Classification: Uncertain significance. Last evaluated: 2022-11-30. Review status: criteria provided, single submitter. Criteria: GeneDx Variant Classification Process June 2021. Collection method: clinical testing. Allele origin: germline. Affected: yes.
Comment: Not observed at significant frequency in large population cohorts (gnomAD); In silico analysis supports that this missense variant has a deleterious effect on protein structure/function; Has not been previously published as pathogenic or benign to our knowledge

NM_004380.3(CREBBP):c.7082C>G (p.Ser2361Cys)

Gene: CREBBP (CREB binding protein; minus strand). Cytogenetic location: 16p13.3.
Variant type: single nucleotide variant.
Coding change: c.7082C>G on transcript NM_004380.3 (MANE Select); coding-DNA position 7082, C replaced by G.
Protein change: p.Ser2361Cys; replaces serine 2361 with cysteine.
Molecular consequence: missense variant.
Genome position (GRCh38, 1-based): chr16:3,727,965, G>C on the plus strand (C>G on the coding strand, the complement: CREBBP is on the minus strand). VCF-style: chr16-3727965-G-C. GRCh37 (hg19) VCF-style: chr16-3777966-G-C.
Other names: c.6968C>G, p.Ser2323Cys (NM_001079846.1); short protein forms S2323C, S2361C.
Identifiers: ClinVar variation 2504347 (VCV002504347.1), dbSNP rs2151299388, ClinGen allele CA394550570.
Genomic context (GRCh38, chr16:3,727,965, plus strand): 5'-CCAGTCTGGGGTGAGACGTGGTGTGGCGAAGGCTGGGGCTGTATCCGTGGTGACGGGCTG[G>C]AATGTGGAGGCTGGGACTGGGGCCGTGGAGACTGGACAGGGGCTGGAGACCGCACCTGGT-3'
Protein context (NP_004371.2, residues 2351-2371): SPRPQSQPPH[Ser2361Cys]SPSPRIQPQP